The following is an entry in ClinVar:

ClinVar aggregate classification (germline): Conflicting classifications of pathogenicity. Review status: criteria provided, conflicting classifications (1 of 4 stars). 7 submissions from 7 submitters: Likely pathogenic (1); Uncertain significance (6). Last evaluated 2025-08-08.

Conditions:
MYH7-related disorder. Also called: MYH7-related disorders; MYH7-related condition; MYH7-related disease.
Cardiovascular phenotype. Identifiers: MedGen CN230736.
Cardiomyopathy (CMYO). Also called: Cardiomyopathies. Identifiers: Orphanet 167848, MedGen C0878544, MONDO:0004994, HP:0001638. Inheritance: Various modes of inheritance.
Hypertrophic cardiomyopathy. Also called: HYPERTROPHIC MYOCARDIOPATHY. Identifiers: Orphanet 217569, MedGen C0007194, MeSH D002312, MONDO:0005045, HP:0001639.

Allele frequency attached by ClinVar (database versions not stated): gnomAD 0.00001; gnomAD exomes 0.00001; TOPMed 0.00002.
gnomAD v4.1: 10 of 1,614,064 alleles (0.00062%); highest among the groups gnomAD compares: South Asian, 0.0033%; no homozygotes.

Submissions (7):

Color Diagnostics, LLC DBA Color Health
Classification: Uncertain significance for Cardiomyopathy. Last evaluated: 2025-08-08. Review status: criteria provided, single submitter. Criteria: ACMG Guidelines, 2015. Collection method: clinical testing. Allele origin: germline.
Comment: This missense variant replaces arginine with histidine at codon 1475 of the MYH7 protein. Computational prediction suggests that this variant may have deleterious impact on protein structure and function. To our knowledge, functional studies have not been reported for this variant. This variant has been reported in two individuals affected with dilated cardiomyopathy (PMID: 31983221, 37652022). This variant has been identified in 2/251480 chromosomes in the general population by the Genome Aggregation Database (gnomAD). The available evidence is insufficient to determine the role of this variant in disease conclusively. Therefore, this variant is classified as a Variant of Uncertain Significance.

Labcorp Genetics (formerly Invitae), Labcorp
Classification: Likely pathogenic for Hypertrophic cardiomyopathy. Last evaluated: 2025-03-23. Review status: criteria provided, single submitter. Criteria: Invitae Variant Classification Sherloc (09022015). Collection method: clinical testing. Allele origin: germline.
Comment: This sequence change replaces arginine, which is basic and polar, with histidine, which is basic and polar, at codon 1475 of the MYH7 protein (p.Arg1475His). This variant is present in population databases (no rsID available, gnomAD 0.006%). This missense change has been observed in individuals with dilated cardiomyopathy (PMID: 31983221, 37652022; internal data). ClinVar contains an entry for this variant (Variation ID: 1038749). Invitae Evidence Modeling of protein sequence and biophysical properties (such as structural, functional, and spatial information, amino acid conservation, physicochemical variation, residue mobility, and thermodynamic stability) indicates that this missense variant is expected to disrupt MYH7 protein function with a positive predictive value of 95%. In summary, the currently available evidence indicates that the variant is pathogenic, but additional data are needed to prove that conclusively. Therefore, this variant has been classified as Likely Pathogenic.

Ambry Genetics
Classification: Uncertain significance for Cardiovascular phenotype. Last evaluated: 2024-03-07. Review status: criteria provided, single submitter. Criteria: Ambry Variant Classification Scheme 2023. Collection method: clinical testing. Allele origin: germline.
Comment: The p.R1475H variant (also known as c.4424G>A), located in coding exon 30 of the MYH7 gene, results from a G to A substitution at nucleotide position 4424. The arginine at codon 1475 is replaced by histidine, an amino acid with highly similar properties. This alteration has been reported in a dilated cardiomyopathy (DCM) cohort; however, clinical details were limited (Mazzarotto F et al. Circulation, 2020 Feb;141:387-398). This amino acid position is highly conserved in available vertebrate species. In addition, this alteration is predicted to be deleterious by in silico analysis. Based on the available evidence, the clinical significance of this alteration remains unclear.

All of Us Research Program, National Institutes of Health
Classification: Uncertain significance for Cardiomyopathy. Last evaluated: 2023-12-01. Review status: criteria provided, single submitter. Criteria: ACMG Guidelines, 2015. Collection method: clinical testing. Allele origin: germline. Inheritance: Autosomal dominant inheritance. Observed: 2 variant alleles, 2 heterozygotes.
Comment: This study involves interpretation of variants in research participants for the purpose of population health screening. Participant phenotype was not available at the time of variant classification. Additional details can be found in publication PMID: 35346344, PMCID: PMC8962531

Women's Health and Genetics/Laboratory Corporation of America, LabCorp
Classification: Uncertain significance. Last evaluated: 2023-05-31. Review status: criteria provided, single submitter. Criteria: LabCorp Variant Classification Summary - May 2015. Collection method: clinical testing. Allele origin: germline.
Comment: Variant summary: MYH7 c.4424G>A (p.Arg1475His) results in a non-conservative amino acid change located in the Myosin tail (IPR002928) of the encoded protein sequence. Five of five in-silico tools predict a damaging effect of the variant on protein function. The variant allele was found at a frequency of 8e-06 in 251480 control chromosomes. The available data on variant occurrences in the general population are insufficient to allow any conclusion about variant significance. c.4424G>A has been reported in the literature in individuals affected with Dilated Cardiomyopathy (Mazzarotto_2020). This report does not provide unequivocal conclusions about association of the variant with Cardiomyopathy. To our knowledge, no experimental evidence demonstrating an impact on protein function has been reported. The following publication have been ascertained in the context of this evaluation (PMID: 31983221). One clinical diagnostic laboratory has submitted clinical-significance assessments for this variant to ClinVar after 2014 and classified the variant as uncertain significance. Based on the evidence outlined above, the variant was classified as uncertain significance.

PreventionGenetics, part of Exact Sciences
Classification: Uncertain significance for MYH7-related condition. Last evaluated: 2022-10-13. Review status: criteria provided, single submitter. Criteria: ACMG Guidelines, 2015. Collection method: clinical testing. Allele origin: germline.
Comment: The MYH7 c.4424G>A variant is predicted to result in the amino acid substitution p.Arg1475His. This variant has been reported in an individual with dilated cardiomyopathy (Table S3, Mazzarotto et al. 2020. PubMed ID: 31983221). This variant is reported in 0.0065% of alleles in individuals of South Asian descent in gnomAD. At this time, the clinical significance of this variant is uncertain due to the absence of conclusive functional and genetic evidence.

Blueprint Genetics
Classification: Uncertain significance. Last evaluated: 2022-03-23. Review status: criteria provided, single submitter. Criteria: ACMG Guidelines, 2015. Collection method: clinical testing. Allele origin: germline.

Literature cited by the submitters: PubMed 31983221 (cited by 4 submitters); PubMed 37652022 (cited by Color Diagnostics, LLC DBA Color Health and Labcorp Genetics (formerly Invitae), Labcorp).

NM_000257.4(MYH7):c.4424G>A (p.Arg1475His)

Genes: MHRT (myosin heavy chain associated RNA transcript; plus strand), MYH7 (myosin heavy chain 7; minus strand). Cytogenetic location: 14q11.2.
Variant type: single nucleotide variant.
Coding change: c.4424G>A on transcript NM_000257.4 (MANE Select); coding-DNA position 4424, G replaced by A.
Protein change: p.Arg1475His; replaces arginine 1475 with histidine.
Molecular consequence: missense variant. On other transcripts: non-coding transcript variant (1).
Genome position (GRCh38, 1-based): chr14:23,417,248, C>T on the plus strand (G>A on the coding strand, the complement: MYH7 is on the minus strand). VCF-style: chr14-23417248-C-T. GRCh37 (hg19) VCF-style: chr14-23886457-C-T.
Other names: c.4424G>A (NM_000257.3); short protein forms R1475H.
Identifiers: ClinVar variation 1038749 (VCV001038749.13), dbSNP rs1176998293, ClinGen allele CA389038543.